The following is an entry in ClinVar:

NM_030665.4(RAI1):c.836_837insACAGCAGCAGCAGCA (p.Gln291_Ala292insGlnGlnGlnGlnGln)

Gene: RAI1 (retinoic acid induced 1; plus strand). Cytogenetic location: 17p11.2.
Variant type: Insertion.
Coding change: c.836_837insACAGCAGCAGCAGCA on transcript NM_030665.4 (MANE Select); coding-DNA positions 836 to 837, ACAGCAGCAGCAGCA inserted.
Protein change: p.Gln291_Ala292insGlnGlnGlnGlnGln.
Molecular consequence: inframe insertion.
Genome position: GRCh38 VCF-style: chr17-17793779-C-CCAGCAACAGCAGCAG. GRCh37 (hg19) VCF-style: chr17-17697093-C-CCAGCAACAGCAGCAG.
Identifiers: ClinVar variation 2813265 (VCV002813265.3), dbSNP rs587780428, ClinGen allele CA2739267245.

ClinVar aggregate classification (germline): Uncertain significance (1 of 4 stars; one submission).

Submission:

Labcorp Genetics (formerly Invitae), Labcorp
Classification: Uncertain significance. Last evaluated: 2024-04-29. Review status: criteria provided, single submitter. Criteria: Invitae Variant Classification Sherloc (09022015). Collection method: clinical testing. Allele origin: germline.
Comment: This variant, c.836_837insACAGCAGCAGCAGCA, results in the insertion of 5 amino acid(s) of the RAI1 protein (p.Gln287_Gln291dup), but otherwise preserves the integrity of the reading frame. This variant is not present in population databases (gnomAD no frequency). This variant has not been reported in the literature in individuals affected with RAI1-related conditions. In summary, the available evidence is currently insufficient to determine the role of this variant in disease. Therefore, it has been classified as a Variant of Uncertain Significance.